The following is an entry in ClinVar:

ClinVar aggregate classification (germline): Uncertain significance (0 of 4 stars; one submission).

Conditions:
MYO5B-related disorder. Also called: MYO5B-related condition.

Allele frequency attached by ClinVar (database versions not stated): TOPMed below 0.00001; gnomAD 0.00001; gnomAD exomes 0.00001.
gnomAD v4.1: 10 of 1,613,970 alleles (0.00062%); highest among the groups gnomAD compares: Non-Finnish European, 0.00085%; no homozygotes.

Submission:

PreventionGenetics, part of Exact Sciences
Classification: Uncertain significance for MYO5B-related condition. Last evaluated: 2024-02-21. Review status: no assertion criteria provided. Collection method: clinical testing. Allele origin: germline.
Comment: The MYO5B c.2533T>C variant is predicted to result in the amino acid substitution p.Phe845Leu. To our knowledge, this variant has not been reported in the literature. This variant is reported in 0.00078% of alleles in individuals of European (Non-Finnish) descent in gnomAD. At this time, the clinical significance of this variant is uncertain due to the absence of conclusive functional and genetic evidence.

NM_001080467.3(MYO5B):c.2533T>C (p.Phe845Leu)

Gene: MYO5B (myosin VB; minus strand). Cytogenetic location: 18q21.1.
Variant type: single nucleotide variant.
Coding change: c.2533T>C on transcript NM_001080467.3 (MANE Select); coding-DNA position 2533, T replaced by C.
Protein change: p.Phe845Leu; replaces phenylalanine 845 with leucine.
Molecular consequence: missense variant.
Genome position (GRCh38, 1-based): chr18:49,904,710, A>G on the plus strand (T>C on the coding strand, the complement: MYO5B is on the minus strand). VCF-style: chr18-49904710-A-G. GRCh37 (hg19) VCF-style: chr18-47431080-A-G.
Other names: short protein forms F845L.
Identifiers: ClinVar variation 3030256 (VCV003030256.2), dbSNP rs1220832749, ClinGen allele CA402434810.